The following is an entry in ClinVar:

ClinVar aggregate classification (germline): Uncertain significance (1 of 4 stars; one submission).

Submission:

Ambry Genetics
Classification: Uncertain significance. Last evaluated: 2026-08-14. Review status: criteria provided, single submitter. Criteria: Ambry Variant Classification Scheme 2023. Collection method: clinical testing. Allele origin: germline.
Comment: The p.F279S variant (also known as c.836T>C), located in coding exon 4 of the GALNT12 gene, results from a T to C substitution at nucleotide position 836. The phenylalanine at codon 279 is replaced by serine, an amino acid with highly dissimilar properties. This amino acid position is conserved. In addition, this alteration is predicted to be deleterious by in silico analysis. Based on the available evidence, the clinical significance of this variant remains unclear.

NM_024642.5(GALNT12):c.836T>C (p.Phe279Ser)

Gene: GALNT12 (polypeptide N-acetylgalactosaminyltransferase 12; plus strand). Cytogenetic location: 9q22.33.
Variant type: single nucleotide variant.
Coding change: c.836T>C on transcript NM_024642.5 (MANE Select); coding-DNA position 836, T replaced by C.
Protein change: p.Phe279Ser; replaces phenylalanine 279 with serine.
Molecular consequence: missense variant.
Genome position (GRCh38, 1-based): chr9:98,831,876, T>C. VCF-style: chr9-98831876-T-C. GRCh37 (hg19) VCF-style: chr9-101594158-T-C.
Other names: short protein forms F279S.
Identifiers: ClinVar variation 5022149 (VCV005022149.1).